The following is an entry in ClinVar:

NM_001111.5(ADAR):c.3344A>G (p.Lys1115Arg)

Gene: ADAR (adenosine deaminase RNA specific; minus strand). Cytogenetic location: 1q21.3.
Variant type: single nucleotide variant.
Coding change: c.3344A>G on transcript NM_001111.5 (MANE Select); coding-DNA position 3344, A replaced by G.
Protein change: p.Lys1115Arg; replaces lysine 1115 with arginine.
Molecular consequence: missense variant.
Genome position (GRCh38, 1-based): chr1:154,585,316, T>C on the plus strand (A>G on the coding strand, the complement: ADAR is on the minus strand). VCF-style: chr1-154585316-T-C. GRCh37 (hg19) VCF-style: chr1-154557792-T-C.
Other names: c.2459A>G, p.Lys820Arg (NM_001025107.3, NM_001193495.2, NM_001365046.1 and 2 more transcripts); c.3371A>G, p.Lys1124Arg (NM_001365045.1); c.2381A>G, p.Lys794Arg (NM_001365049.1); c.3266A>G, p.Lys1089Arg (NM_015840.4); c.3209A>G, p.Lys1070Arg (NM_015841.4); short protein forms K1070R, K1089R, K794R, K820R, K1115R, K1124R.
Identifiers: ClinVar variation 2003891 (VCV002003891.5), dbSNP rs1696679517, ClinGen allele CA342635175.

ClinVar aggregate classification (germline): Uncertain significance. Review status: criteria provided, multiple submitters, no conflicts (2 of 4 stars). 2 submissions from 2 submitters: Uncertain significance (2). Last evaluated 2024-08-28.

Conditions:
Symmetrical dyschromatosis of extremities (DSH). Also called: RETICULATE ACROPIGMENTATION OF DOHI; SYMMETRIC DYSCHROMATOSIS OF THE EXTREMITIES; DYSCHROMATOSIS SYMMETRICA HEREDITARIA 1; Dyschromatosis symmetrica hereditaria. Identifiers: Orphanet 41, MedGen C0406775, MONDO:0007483, OMIM 127400.
Aicardi-Goutieres syndrome 6 (AGS6). Identifiers: Orphanet 51, MedGen C3539013, MONDO:0014007, OMIM 615010.

Allele frequency attached by ClinVar (database versions not stated): TOPMed below 0.00001; gnomAD exomes 0.00001.
gnomAD v4.1: 3 of 1,614,172 alleles (0.00019%); highest among the groups gnomAD compares: Non-Finnish European, 0.00025%; no homozygotes.

Submissions (2):

Blueprint Genetics
Classification: Uncertain significance. Last evaluated: 2024-08-28. Review status: criteria provided, single submitter. Criteria: ACMG Guidelines, 2015. Collection method: clinical testing. Allele origin: germline.

Labcorp Genetics (formerly Invitae), Labcorp
Classification: Uncertain significance for Aicardi-Goutieres syndrome 6; Symmetrical dyschromatosis of extremities. Last evaluated: 2022-06-09. Review status: criteria provided, single submitter. Criteria: Invitae Variant Classification Sherloc (09022015). Collection method: clinical testing. Allele origin: germline.
Comment: In summary, the available evidence is currently insufficient to determine the role of this variant in disease. Therefore, it has been classified as a Variant of Uncertain Significance. Algorithms developed to predict the effect of missense changes on protein structure and function are either unavailable or do not agree on the potential impact of this missense change (SIFT: "Tolerated"; PolyPhen-2: "Possibly Damaging"; Align-GVGD: "Class C0"). This variant has not been reported in the literature in individuals affected with ADAR-related conditions. This variant is not present in population databases (gnomAD no frequency). This sequence change replaces lysine, which is basic and polar, with arginine, which is basic and polar, at codon 1115 of the ADAR protein (p.Lys1115Arg).